The following is an entry in ClinVar:

ClinVar aggregate classification (germline): Uncertain significance. Review status: criteria provided, multiple submitters, no conflicts (2 of 4 stars). 4 submissions from 4 submitters: Uncertain significance (4). Last evaluated 2026-10-01.

Conditions:
Fanconi anemia complementation group D2. Also called: FANCD2-Related Fanconi Anemia; FANCONI PANCYTOPENIA, TYPE 4; FANCONI ANEMIA, COMPLEMENTATION GROUP D. Identifiers: Orphanet 84, MedGen C3160738, MONDO:0009214, OMIM 227646.
Fanconi anemia (FA). Also called: Fanconi's anemia. Identifiers: Orphanet 84, MedGen C0015625, MeSH D005199, MONDO:0019391.
Inborn genetic diseases. Identifiers: MedGen C0950123, MeSH D030342.

Allele frequency attached by ClinVar (database versions not stated): ExAC 0.00001; gnomAD exomes 0.00001 and 0.00002; gnomAD 0.00002; TOPMed 0.00002.
gnomAD v4.1: 8 of 1,614,064 alleles (0.0005%); highest among the groups gnomAD compares: Admixed American, 0.013%; no homozygotes.

Submissions (4):

St. Jude Molecular Pathology, St. Jude Children's Research Hospital
Classification: Uncertain significance for Fanconi anemia complementation group D2. Last evaluated: 2026-10-01. Review status: criteria provided, single submitter. Criteria: St. Jude Assertion Criteria 2020. Collection method: clinical testing. Allele origin: germline.
Comment: The FANCD2 c.2986A>G p.(Ser996Gly) missense change has a maximum subpopulation frequency of 0.017% in gnomAD v2.1.1. The in silico tool REVEL predicts a benign effect on protein function, but to our knowledge this prediction has not been confirmed by functional studies. To our knowledge, this variant has not been reported in indivi duals with FANCD2-related Fanconi anemia. In summary, the evidence currently available is insufficient to determine the clinical significance of this variant. It has therefore been classified as of uncertain significance.

Ambry Genetics
Classification: Uncertain significance for Inborn genetic diseases. Last evaluated: 2024-05-16. Review status: criteria provided, single submitter. Criteria: Ambry Variant Classification Scheme 2023. Collection method: clinical testing. Allele origin: germline.

Fulgent Genetics
Classification: Uncertain significance for Fanconi anemia complementation group D2. Last evaluated: 2024-03-20. Review status: criteria provided, single submitter. Criteria: ACMG Guidelines, 2015. Collection method: clinical testing. Allele origin: germline.

Labcorp Genetics (formerly Invitae), Labcorp
Classification: Uncertain significance for Fanconi anemia. Last evaluated: 2024-01-04. Review status: criteria provided, single submitter. Criteria: Invitae Variant Classification Sherloc (09022015). Collection method: clinical testing. Allele origin: germline.
Comment: This sequence change replaces serine, which is neutral and polar, with glycine, which is neutral and non-polar, at codon 996 of the FANCD2 protein (p.Ser996Gly). This variant is present in population databases (rs745373058, gnomAD 0.02%). This variant has not been reported in the literature in individuals affected with FANCD2-related conditions. ClinVar contains an entry for this variant (Variation ID: 1366976). Advanced modeling of protein sequence and biophysical properties (such as structural, functional, and spatial information, amino acid conservation, physicochemical variation, residue mobility, and thermodynamic stability) performed at Invitae indicates that this missense variant is not expected to disrupt FANCD2 protein function with a negative predictive value of 80%. In summary, the available evidence is currently insufficient to determine the role of this variant in disease. Therefore, it has been classified as a Variant of Uncertain Significance.

NM_001018115.3(FANCD2):c.2986A>G (p.Ser996Gly)

Gene: FANCD2 (FA complementation group D2; plus strand). Cytogenetic location: 3p25.3.
Variant type: single nucleotide variant.
Coding change: c.2986A>G on transcript NM_001018115.3 (MANE Select); coding-DNA position 2986, A replaced by G.
Protein change: p.Ser996Gly; replaces serine 996 with glycine.
Molecular consequence: missense variant.
Genome position (GRCh38, 1-based): chr3:10,081,109, A>G. VCF-style: chr3-10081109-A-G. GRCh37 (hg19) VCF-style: chr3-10122793-A-G.
Other names: c.2986A>G (NM_033084.4, NM_033084.3, NM_033084.5); c.2986A>G, p.Ser996Gly (NM_001319984.2, NM_001374254.1, NM_033084.6); c.2875A>G, p.Ser959Gly (NM_001374253.1); short protein forms S959G, S996G.
Identifiers: ClinVar variation 1366976 (VCV001366976.9), dbSNP rs745373058, ClinGen allele CA2250257.
Genomic context (GRCh38, chr3:10,081,109, plus strand): 5'-CTGAGACGCTATCCAGCAGTTTCTTCACTCATAACTCTGCATTTATTATAGAACAAAGGA[A>G]GCCGGAATATTGGATTCTCACATCTCCAACAGAGATCTGCCCAAGAAATTGTTCATTGTG-3'
Protein context (NP_001018125.1, residues 986-1006): RRVPFLKNKG[Ser996Gly]RNIGFSHLQQ